The following is an entry in ClinVar:

ClinVar aggregate classification (germline): Pathogenic. Review status: criteria provided, multiple submitters, no conflicts (2 of 4 stars). 2 submissions from 2 submitters: Pathogenic (2). Last evaluated 2025-10-29.

Conditions:
ERCC2-related disorder. Also called: ERCC2-related conditions; ERCC2-related condition; ERCC2-related disorders. Identifiers: MedGen CN239291.

Allele frequency attached by ClinVar (database versions not stated): gnomAD exomes below 0.00001; gnomAD 0.00001; TOPMed 0.00001.

Submissions (2):

Myriad Genetics, Inc.
Classification: Pathogenic for ERCC2-related disorder. Last evaluated: 2025-10-29. Review status: criteria provided, single submitter. Criteria: Myriad Autosomal Dominant, Autosomal Recessive and X-Linked Classification Criteria (2023). Collection method: clinical testing. Allele origin: unknown.
Comment: NM_000400.3(ERCC2):c.614dupT(V206Gfs*3) is a frameshift variant classified as pathogenic in the context of ERCC2-related disorders. V206Gfs*3 has not been observed in cases with relevant disease. Relevant functional assessments of this variant are not available in the literature. V206Gfs*3 has been observed in referenced population frequency databases. In summary, NM_000400.3(ERCC2):c.614dupT(V206Gfs*3) is a frameshift variant in a gene where loss of function is a known mechanism of disease and is predicted to disrupt protein function. Please note: this variant was assessed in the context of healthy population screening.

Labcorp Genetics (formerly Invitae), Labcorp
Classification: Pathogenic. Last evaluated: 2022-03-19. Review status: criteria provided, single submitter. Criteria: Invitae Variant Classification Sherloc (09022015). Collection method: clinical testing. Allele origin: germline.
Comment: For these reasons, this variant has been classified as Pathogenic. Algorithms developed to predict the effect of sequence changes on RNA splicing suggest that this variant may create or strengthen a splice site. This variant has not been reported in the literature in individuals affected with ERCC2-related conditions. This variant is present in population databases (no rsID available, gnomAD 0.008%). This sequence change creates a premature translational stop signal (p.Val206Glyfs*3) in the ERCC2 gene. It is expected to result in an absent or disrupted protein product. Loss-of-function variants in ERCC2 are known to be pathogenic (PMID: 9238033, 11335038, 19085937, 19934020).

Literature cited by the submitters: PubMed 9238033 (cited by Labcorp Genetics (formerly Invitae), Labcorp); PubMed 11335038 (cited by Labcorp Genetics (formerly Invitae), Labcorp); PubMed 19085937 (cited by Labcorp Genetics (formerly Invitae), Labcorp); PubMed 19934020 (cited by Labcorp Genetics (formerly Invitae), Labcorp).

NM_000400.4(ERCC2):c.614dup (p.Val206fs)

Gene: ERCC2 (ERCC excision repair 2, TFIIH core complex helicase subunit; minus strand). Cytogenetic location: 19q13.32.
Variant type: Duplication.
Coding change: c.614dup on transcript NM_000400.4 (MANE Select); coding-DNA position 614, one base duplicated (T; older notation c.614dupT).
Protein change: p.Val206fs; shifts the reading frame from valine 206.
Molecular consequence: frameshift variant.
Genome position (GRCh38, 1-based): chr19:45,364,528, A duplicated on the plus strand (T on the coding strand, the reverse complement: ERCC2 is on the minus strand). VCF-style (leftmost placement, unchanged base first): chr19-45364527-C-CA. GRCh37 (hg19) VCF-style: chr19-45867785-C-CA.
Other names: c.542dup, p.Val182fs (NM_001130867.2); short protein forms V182fs, V206fs.
Identifiers: ClinVar variation 1389326 (VCV001389326.7), dbSNP rs1019893270, ClinGen allele CA308967693.
Genomic context (GRCh38, chr19:45,364,527, plus strand): 5'-CAGTTCCTTGGACACCAGGTCTGCAATCTTGGGGTCCAGGAGGTAGTGGTAGCTATAAAC[C>CA]ACCACATTGGCATGCAGGATCTGGGGGGCCGGGGAGCAGGGTTACCAGGGCCCTGCCACC-3'